The following is an entry in ClinVar:

NM_152490.5(B3GALNT2):c.257A>C (p.Gln86Pro)

Gene: B3GALNT2 (beta-1,3-N-acetylgalactosaminyltransferase 2; minus strand). Cytogenetic location: 1q42.3.
Variant type: single nucleotide variant.
Coding change: c.257A>C on transcript NM_152490.5 (MANE Select); coding-DNA position 257, A replaced by C.
Protein change: p.Gln86Pro; replaces glutamine 86 with proline.
Molecular consequence: missense variant.
Genome position (GRCh38, 1-based): chr1:235,494,684, T>G on the plus strand (A>C on the coding strand, the complement: B3GALNT2 is on the minus strand). VCF-style: chr1-235494684-T-G. GRCh37 (hg19) VCF-style: chr1-235657994-T-G.
Other names: c.380A>C, p.Gln127Pro (NM_001277155.3); c.257A>C (NM_152490.2); short protein forms Q127P, Q86P.
Identifiers: ClinVar variation 2902622 (VCV002902622.4), dbSNP rs2527371923, ClinGen allele CA344930753.

ClinVar aggregate classification (germline): Uncertain significance. Review status: criteria provided, multiple submitters, no conflicts (2 of 4 stars). 2 submissions from 2 submitters: Uncertain significance (2). Last evaluated 2024-10-15.

Conditions:
Muscular dystrophy-dystroglycanopathy (congenital with brain and eye anomalies), type a, 11 (MDDGA11). Also called: Congenital muscular dystrophy-dystroglycanopathy with brain and eye anomalies, type A11; WALKER-WARBURG SYNDROME OR MUSCLE-EYE-BRAIN DISEASE, B3GALNT2-RELATED; Muscular dystrophy-dystroglycanopathy (congenital with brain and eye anomalies, type A, 11. Identifiers: Orphanet 588, Orphanet 899, MedGen C3554638, MONDO:0014071, OMIM 615181.

Submissions (2):

Labcorp Genetics (formerly Invitae), Labcorp
Classification: Uncertain significance for Muscular dystrophy-dystroglycanopathy (congenital with brain and eye anomalies), type a, 11. Last evaluated: 2024-10-15. Review status: criteria provided, single submitter. Criteria: Invitae Variant Classification Sherloc (09022015). Collection method: clinical testing. Allele origin: germline.
Comment: This sequence change replaces glutamine, which is neutral and polar, with proline, which is neutral and non-polar, at codon 86 of the B3GALNT2 protein (p.Gln86Pro). This variant is not present in population databases (gnomAD no frequency). This variant has not been reported in the literature in individuals affected with B3GALNT2-related conditions. Invitae Evidence Modeling of protein sequence and biophysical properties (such as structural, functional, and spatial information, amino acid conservation, physicochemical variation, residue mobility, and thermodynamic stability) indicates that this missense variant is not expected to disrupt B3GALNT2 protein function with a negative predictive value of 80%. In summary, the available evidence is currently insufficient to determine the role of this variant in disease. Therefore, it has been classified as a Variant of Uncertain Significance.

GeneDx
Classification: Uncertain significance. Last evaluated: 2023-10-18. Review status: criteria provided, single submitter. Criteria: GeneDx Variant Classification Process June 2021. Collection method: clinical testing. Allele origin: germline. Affected: yes.
Comment: Not observed at significant frequency in large population cohorts (gnomAD); In silico analysis supports that this missense variant does not alter protein structure/function; Has not been previously published as pathogenic or benign to our knowledge